The following is an entry in ClinVar:

NM_004656.4(BAP1):c.659+1G>C

Gene: BAP1 (BRCA1 associated deubiquitinase 1; minus strand). Cytogenetic location: 3p21.1.
Variant type: single nucleotide variant.
Coding change: c.659+1G>C on transcript NM_004656.4 (MANE Select); the canonical splice donor site of the intron after coding-DNA position 659, G replaced by C.
Molecular consequence: splice donor variant.
Genome position (GRCh38, 1-based): chr3:52,406,828, C>G on the plus strand (G>C on the coding strand, the complement: BAP1 is on the minus strand). VCF-style: chr3-52406828-C-G. GRCh37 (hg19) VCF-style: chr3-52440844-C-G.
Other names: c.659+1G>C (NM_001410772.1, NM_004656.2).
Identifiers: ClinVar variation 2867308 (VCV002867308.4), dbSNP rs2153227622, ClinGen allele CA353108688.
Genomic context (GRCh38, chr3:52,406,828, plus strand): 5'-TGTCCCTCCCAAAGTAGGTACAGCTCCAGAGAGTAGAACAGGGCAGGCACAGGGCCCTTA[C>G]CCTGCAGTGGCGAGGCCGATACGCTCCATGATGACCCGCCGGGCCTTGTCTGTCCACTCC-3'

ClinVar aggregate classification (germline): Pathogenic. Review status: criteria provided, multiple submitters, no conflicts (2 of 4 stars). 2 submissions from 2 submitters: Pathogenic (2). Last evaluated 2026-08-03.

Conditions:
BAP1-related tumor predisposition syndrome (TPDS1). Also called: COMMON Syndrome; TUMOR PREDISPOSITION SYNDROME 1; BAP1 tumor predisposition syndrome; Tumor susceptibility linked to germline BAP1 mutations. Identifiers: Orphanet 289539, MedGen C3280492, MONDO:0013692, OMIM 614327.
Hereditary cancer-predisposing syndrome. Also called: Hereditary Cancer Syndrome; Hereditary neoplastic syndrome; Neoplastic Syndromes, Hereditary; Tumor predisposition. Identifiers: Orphanet 140162, MedGen C0027672, MeSH D009386, MONDO:0015356.

Submissions (2):

Ambry Genetics
Classification: Pathogenic for Hereditary cancer-predisposing syndrome. Last evaluated: 2026-08-03. Review status: criteria provided, single submitter. Criteria: Ambry Variant Classification Scheme 2023. Collection method: clinical testing. Allele origin: germline.
Comment: The c.659+1G>C intronic variant results from a G to C substitution one nucleotide after coding exon 8 of the BAP1 gene. This variant was reported in individual(s) with features consistent with BAP1-related tumor predisposition syndrome (Cabaret O et al. Genes Chromosomes Cancer, 2017 Sep;56:691-694; Hassan R et al. Proc Natl Acad Sci U S A, 2019 Apr;116:9008-9013; Ambry internal data). This variant was non-functional in a high throughput genome editing haploid cell survival functional assay (Waters AJ et al. Nat Genet, 2024 Jul;56:1434-1445). This variant is considered to be rare based on population cohorts in the Genome Aggregation Database (gnomAD. This nucleotide position is highly conserved in available vertebrate species. In silico splice site analysis predicts that this alteration will weaken the native splice donor site. Variants that disrupt the canonical splice site are expected to cause aberrant splicing, resulting in an abnormal protein or a transcript that is subject to nonsense-mediated mRNA decay. As such, this variant is classified as a disease-causing mutation.

Labcorp Genetics (formerly Invitae), Labcorp
Classification: Pathogenic for BAP1-related tumor predisposition syndrome. Last evaluated: 2024-05-07. Review status: criteria provided, single submitter. Criteria: Invitae Variant Classification Sherloc (09022015). Collection method: clinical testing. Allele origin: germline.
Comment: This sequence change affects a donor splice site in intron 8 of the BAP1 gene. It is expected to disrupt RNA splicing. Variants that disrupt the donor or acceptor splice site typically lead to a loss of protein function (PMID: 16199547), and loss-of-function variants in BAP1 are known to be pathogenic (PMID: 21874000, 23684012). This variant is not present in population databases (gnomAD no frequency). Disruption of this splice site has been observed in individuals with clinical features consistent with BAP1-related cancer risk (PMID: 28560743, 30975761; Invitae). Algorithms developed to predict the effect of sequence changes on RNA splicing suggest that this variant may disrupt the consensus splice site. For these reasons, this variant has been classified as Pathogenic.

Literature cited by the submitters: PubMed 28560743 (cited by Ambry Genetics and Labcorp Genetics (formerly Invitae), Labcorp); PubMed 30975761 (cited by Ambry Genetics and Labcorp Genetics (formerly Invitae), Labcorp); PubMed 38969833 (cited by Ambry Genetics); PubMed 16199547 (cited by Labcorp Genetics (formerly Invitae), Labcorp); PubMed 21874000 (cited by Labcorp Genetics (formerly Invitae), Labcorp); PubMed 23684012 (cited by Labcorp Genetics (formerly Invitae), Labcorp).